The following is an entry in ClinVar:

ClinVar aggregate classification (germline): Pathogenic. Review status: criteria provided, multiple submitters, no conflicts (2 of 4 stars). 3 submissions from 3 submitters: Pathogenic (2). 1 of the submissions does not count toward it. Last evaluated 2023-02-01.

Conditions:
Renal-hepatic-pancreatic dysplasia 1 (RHPD1). Identifiers: MedGen C3715199, MONDO:0008833, OMIM 208540.
NPHP3-related Meckel-like syndrome. Also called: GOLDSTON SYNDROME; Meckel syndrome type 7. Identifiers: Orphanet 3032, MedGen C2673885, MONDO:0009966, OMIM 267010.
Nephronophthisis 3 (NPHP3). Also called: Adolescent nephronophthisis. Identifiers: MONDO:0011456, OMIM 604387, Orphanet 655, MedGen C1858392.

Allele frequency attached by ClinVar (database versions not stated): gnomAD exomes below 0.00001; ExAC 0.00001.
gnomAD v4.1: 5 of 1,598,450 alleles (0.00031%); highest among the groups gnomAD compares: Non-Finnish European, 0.00043%; no homozygotes.

Submissions (3):

CeGaT Center for Human Genetics Tuebingen
Classification: Pathogenic. Last evaluated: 2023-02-01. Review status: criteria provided, single submitter. Criteria: CeGaT Center For Human Genetics Tuebingen Variant Classification Criteria Version 2. Collection method: clinical testing. Allele origin: germline. Affected: yes. Observed: 1 variant allele.
Comment: NPHP3: PVS1, PM2, PM3

Fulgent Genetics
Classification: Pathogenic for Renal-hepatic-pancreatic dysplasia 1; NPHP3-related Meckel-like syndrome; Nephronophthisis 3. Last evaluated: 2021-11-11. Review status: criteria provided, single submitter. Criteria: ACMG Guidelines, 2015. Collection method: clinical testing. Allele origin: unknown.

Molecular Genetics Laboratory, CHU Lille
Classification: Pathogenic for Nephronophthisis 3. Last evaluated: 2020-02-12. Review status: no assertion criteria provided. Criteria: ACMG Guidelines, 2015. Collection method: clinical testing. Allele origin: paternal. Inheritance: Autosomal recessive inheritance. Affected: yes. Not counted in ClinVar's aggregate classification.

NM_153240.5(NPHP3):c.520-1G>T

Genes: NPHP3 (nephrocystin 3; minus strand), NPHP3-ACAD11 (NPHP3-ACAD11 readthrough (NMD candidate); minus strand). Cytogenetic location: 3q22.1.
Variant type: single nucleotide variant.
Coding change: c.520-1G>T on transcript NM_153240.5 (MANE Select); the canonical splice acceptor site of the intron before coding-DNA position 520, G replaced by T.
Molecular consequence: splice acceptor variant.
Genome position (GRCh38, 1-based): chr3:132,719,145, C>A on the plus strand (G>T on the coding strand, the complement: NPHP3 is on the minus strand). VCF-style: chr3-132719145-C-A. GRCh37 (hg19) VCF-style: chr3-132437989-C-A.
Identifiers: ClinVar variation 812666 (VCV000812666.31), dbSNP rs759262253, ClinGen allele CA2622566.
Genomic context (GRCh38, chr3:132,719,145, plus strand): 5'-CAACTCCCTCTTGGCCCTCAGTAAGTCCTGAATTTCATTTTCTTTGGTCTCCCTAAAAAT[C>A]TTTAAAAAGAATAATTTTAATGTTGAAAGCTTTTTCATAATCAAAAAGTTGTGTCATCAA-3'